The following is an entry in ClinVar:

NM_004415.4(DSP):c.8262G>A (p.Gly2754=)

Gene: DSP (desmoplakin; plus strand). Cytogenetic location: 6p24.3.
Variant type: single nucleotide variant.
Coding change: c.8262G>A on transcript NM_004415.4 (MANE Select); coding-DNA position 8262, G replaced by A.
Protein change: p.Gly2754=; no amino-acid change (glycine 2754 retained).
Molecular consequence: synonymous variant.
Genome position (GRCh38, 1-based): chr6:7,585,524, G>A. VCF-style: chr6-7585524-G-A. GRCh37 (hg19) VCF-style: chr6-7585757-G-A.
Other names: c.6465G>A, p.Gly2155= (NM_001008844.3); c.6933G>A, p.Gly2311= (NM_001319034.2).
Identifiers: ClinVar variation 794235 (VCV000794235.15), dbSNP rs187226788, ClinGen allele CA133977593.

ClinVar aggregate classification (germline): Likely benign. Review status: criteria provided, multiple submitters, no conflicts (2 of 4 stars). 4 submissions from 4 submitters: Likely benign (4). Last evaluated 2026-07-10.

Conditions:
Arrhythmogenic right ventricular dysplasia 8 (ARVD8). Also called: Arrhythmogenic Right Ventricular Dysplasia/Cardiomyopathy 8; ARRHYTHMOGENIC RIGHT VENTRICULAR DYSPLASIA, FAMILIAL, 8; ARRHYTHMOGENIC RIGHT VENTRICULAR CARDIOMYOPATHY 8. Identifiers: MedGen C1843896, MONDO:0011831, OMIM 607450.
Arrhythmogenic cardiomyopathy with wooly hair and keratoderma. Also called: PALMOPLANTAR KERATODERMA WITH LEFT VENTRICULAR CARDIOMYOPATHY AND WOOLLY HAIR; Dilated cardiomyopathy with woolly hair and keratoderma; Arrhythmogenic cardiomyopathy with woolly hair and keratoderma; Carvajal syndrome. Identifiers: Orphanet 65282, MedGen C1854063, MONDO:0011581, OMIM 605676.
Cardiomyopathy (CMYO). Also called: Cardiomyopathies. Identifiers: Orphanet 167848, MedGen C0878544, MONDO:0004994, HP:0001638. Inheritance: Various modes of inheritance.
Cardiovascular phenotype. Identifiers: MedGen CN230736.

Allele frequency attached by ClinVar (database versions not stated): TOPMed 0.00001; 1000 Genomes Project 30x 0.00016; 1000 Genomes Project 0.00020.
gnomAD v4.1: 18 of 1,614,192 alleles (0.0011%); highest among the groups gnomAD compares: Non-Finnish European, 0.0014%; no homozygotes.

Submissions (4):

Ambry Genetics
Classification: Likely benign for Cardiovascular phenotype. Last evaluated: 2026-07-10. Review status: criteria provided, single submitter. Criteria: Ambry Variant Classification Scheme 2023. Collection method: clinical testing. Allele origin: germline.

Labcorp Genetics (formerly Invitae), Labcorp
Classification: Likely benign for Arrhythmogenic cardiomyopathy with wooly hair and keratoderma; Arrhythmogenic right ventricular dysplasia 8. Last evaluated: 2025-12-14. Review status: criteria provided, single submitter. Criteria: Invitae Variant Classification Sherloc (09022015). Collection method: clinical testing. Allele origin: germline.

All of Us Research Program, National Institutes of Health
Classification: Likely benign for Arrhythmogenic cardiomyopathy with wooly hair and keratoderma. Last evaluated: 2023-06-26. Review status: criteria provided, single submitter. Criteria: ACMG Guidelines, 2015. Collection method: clinical testing. Allele origin: germline. Inheritance: Autosomal dominant inheritance. Observed: 2 variant alleles, 2 heterozygotes.
Comment: This study involves interpretation of variants in research participants for the purpose of population health screening. Participant phenotype was not available at the time of variant classification. Additional details can be found in publication PMID: 35346344, PMCID: PMC8962531

Color Diagnostics, LLC DBA Color Health
Classification: Likely benign for Cardiomyopathy. Last evaluated: 2019-06-01. Review status: criteria provided, single submitter. Criteria: ACMG Guidelines, 2015. Collection method: clinical testing. Allele origin: germline.